The following is an entry in ClinVar:

ClinVar aggregate classification (germline): Uncertain significance (1 of 4 stars; one submission).

Conditions:
Hereditary cancer-predisposing syndrome. Also called: Neoplastic Syndromes, Hereditary; Tumor predisposition; Hereditary Cancer Syndrome; Hereditary neoplastic syndrome. Identifiers: Orphanet 140162, MedGen C0027672, MeSH D009386, MONDO:0015356.

Submission:

Color Diagnostics, LLC DBA Color Health
Classification: Uncertain significance for Hereditary cancer-predisposing syndrome. Last evaluated: 2023-12-04. Review status: criteria provided, single submitter. Criteria: ACMG Guidelines, 2015. Collection method: clinical testing. Allele origin: germline.
Comment: This missense variant replaces lysine with glutamic acid at codon 447 of the CDH1 protein. To our knowledge, functional studies have not been reported for this variant. This variant has not been reported in individuals affected with hereditary cancer in the literature. This variant has not been identified in the general population by the Genome Aggregation Database (gnomAD). The available evidence is insufficient to determine the role of this variant in disease conclusively. Therefore, this variant is classified as a Variant of Uncertain Significance.

NM_004360.5(CDH1):c.1339A>G (p.Lys447Glu)

Gene: CDH1 (cadherin 1; plus strand). Cytogenetic location: 16q22.1.
Variant type: single nucleotide variant.
Coding change: c.1339A>G on transcript NM_004360.5 (MANE Select); coding-DNA position 1339, A replaced by G.
Protein change: p.Lys447Glu; replaces lysine 447 with glutamic acid.
Molecular consequence: missense variant. On other transcripts: 5 prime UTR variant (2).
Genome position (GRCh38, 1-based): chr16:68,815,533, A>G. VCF-style: chr16-68815533-A-G. GRCh37 (hg19) VCF-style: chr16-68849436-A-G.
Other names: c.1156A>G, p.Lys386Glu (NM_001317184.2); c.-210A>G (NM_001317185.2); c.-481A>G (NM_001317186.2); short protein forms K386E, K447E.
Identifiers: ClinVar variation 2775036 (VCV002775036.2), dbSNP rs2152134696, ClinGen allele CA396462706.